The following is an entry in ClinVar:

ClinVar aggregate classification (germline): Likely benign. Review status: criteria provided, single submitter (1 of 4 stars). 2 submissions from 2 submitters: Likely benign (1). 1 of the submissions does not count toward it. Last evaluated 2023-03-23.

Conditions:
Hereditary cancer-predisposing syndrome. Also called: Neoplastic Syndromes, Hereditary; Tumor predisposition; Hereditary neoplastic syndrome; Hereditary Cancer Syndrome. Identifiers: Orphanet 140162, MedGen C0027672, MeSH D009386, MONDO:0015356.
Breast-ovarian cancer, familial, susceptibility to, 2 (BROVCA2). Also called: BRCA2 Hereditary Breast and Ovarian Cancer. Identifiers: Orphanet 145, MedGen C2675520, MONDO:0012933, OMIM 612555. Disease mechanism: loss of function.

Submissions (2):

University of Washington Department of Laboratory Medicine, University of Washington
Classification: Likely benign for Hereditary cancer-predisposing syndrome. Last evaluated: 2023-03-23. Review status: criteria provided, single submitter. Criteria: Dines et al. (Genet Med. 2020). Collection method: curation. Allele origin: germline.
Comment: Missense variant in a coldspot region where missense variants are very unlikely to be pathogenic (PMID:31911673).

BRCA2 exon 11 coldspot. Reclassification based on statistical prior probability.

Breast Cancer Information Core (BIC) (BRCA2)
Classification: Uncertain significance for Breast-ovarian cancer, familial 2. Last evaluated: 2010-10-28. Review status: no assertion criteria provided. Collection method: clinical testing. Allele origin: germline. Affected: yes. Observed: 1 variant allele. Not counted in ClinVar's aggregate classification.

NM_000059.4(BRCA2):c.5467A>C (p.Lys1823Gln)

Gene: BRCA2 (BRCA2 DNA repair associated; plus strand). Cytogenetic location: 13q13.1.
Variant type: single nucleotide variant.
Coding change: c.5467A>C on transcript NM_000059.4 (MANE Select); coding-DNA position 5467, A replaced by C.
Protein change: p.Lys1823Gln; replaces lysine 1823 with glutamine.
Molecular consequence: missense variant.
Genome position (GRCh38, 1-based): chr13:32,339,822, A>C. VCF-style: chr13-32339822-A-C. GRCh37 (hg19) VCF-style: chr13-32913959-A-C.
Other names: short protein forms K1823Q.
Identifiers: ClinVar variation 51867 (VCV000051867.3), dbSNP rs276174858, ClinGen allele CA022376.